The following is an entry in ClinVar:

NM_001376.5(DYNC1H1):c.6935T>C (p.Val2312Ala)

Gene: DYNC1H1 (dynein cytoplasmic 1 heavy chain 1; plus strand). Cytogenetic location: 14q32.31.
Variant type: single nucleotide variant.
Coding change: c.6935T>C on transcript NM_001376.5 (MANE Select); coding-DNA position 6935, T replaced by C.
Protein change: p.Val2312Ala; replaces valine 2312 with alanine.
Molecular consequence: missense variant.
Genome position (GRCh38, 1-based): chr14:102,012,391, T>C. VCF-style: chr14-102012391-T-C. GRCh37 (hg19) VCF-style: chr14-102478728-T-C.
Other names: short protein forms V2312A.
Identifiers: ClinVar variation 2580406 (VCV002580406.1), dbSNP rs1595615306, ClinGen allele CA391058874.

ClinVar aggregate classification (germline): Uncertain significance (1 of 4 stars; one submission).

Submission:

GeneDx
Classification: Uncertain significance. Last evaluated: 2023-03-21. Review status: criteria provided, single submitter. Criteria: GeneDx Variant Classification Process June 2021. Collection method: clinical testing. Allele origin: germline. Affected: yes.
Comment: Not observed at significant frequency in large population cohorts (gnomAD); In silico analysis supports that this missense variant has a deleterious effect on protein structure/function; Has not been previously published as pathogenic or benign to our knowledge; This variant is associated with the following publications: (PMID: 26100331, 25609763, 25512093)